The following is an entry in ClinVar:

ClinVar aggregate classification (germline): Uncertain significance (1 of 4 stars; one submission).

Conditions:
DK1-congenital disorder of glycosylation. Also called: DOLK-congenital disorder of glycosylation; Carbohydrate deficient glycoprotein syndrome type 1m; CONGENITAL DISORDER OF GLYCOSYLATION, TYPE Im; CDG Im; DK1 DEFICIENCY; DOLICHOL KINASE DEFICIENCY. Identifiers: Orphanet 91131, MedGen C1835849, MONDO:0012556, OMIM 610768.

Submission:

Labcorp Genetics (formerly Invitae), Labcorp
Classification: Uncertain significance for Congenital disorder of glycosylation type 1M. Last evaluated: 2018-06-11. Review status: criteria provided, single submitter. Criteria: Invitae Variant Classification Sherloc (09022015). Collection method: clinical testing. Allele origin: germline.
Comment: This variant results in a copy number gain of the genomic region encompassing the full coding sequence of the DOLK gene. The boundaries of this event are unknown as they extend beyond the assayed region for this gene and therefore may encompass additional genes. As the precise location of this event is unknown, it may be in tandem or it may be located elsewhere in the genome. This variant has not been reported in the literature in individuals with DOLK-related disease. In summary, the available evidence is currently insufficient to determine the role of this variant in disease. Therefore, it has been classified as a Variant of Uncertain Significance.

NC_000009.11:g.(?_131707946)_(131709602_?)dup

Gene: DOLK (dolichol kinase; minus strand). Cytogenetic location: 9q34.11.
Variant type: Duplication.
Identifiers: ClinVar variation 584358 (VCV000584358.1).